The following is an entry in ClinVar:

ClinVar aggregate classification (germline): Uncertain significance. Review status: criteria provided, multiple submitters, no conflicts (2 of 4 stars). 2 submissions from 2 submitters: Uncertain significance (2). Last evaluated 2024-01-08.

Allele frequency attached by ClinVar (database versions not stated): TOPMed 0.00001.
gnomAD v4.1: 1 of 1,614,048 alleles (0.000062%); highest among the groups gnomAD compares: African/African-American, 0.0013%; no homozygotes.

Submissions (2):

Ambry Genetics
Classification: Uncertain significance. Last evaluated: 2024-01-08. Review status: criteria provided, single submitter. Criteria: Ambry Variant Classification Scheme 2023. Collection method: clinical testing. Allele origin: germline.
Comment: The c.1212+1G>T intronic variant results from a G to T substitution one nucleotide after coding exon 6 of the GALNT12 gene. This nucleotide position is highly conserved in available vertebrate species. In silico splice site analysis predicts that this alteration will weaken the native splice donor site. Alterations that disrupt the canonical splice site are expected to cause aberrant splicing, resulting in an abnormal protein or a transcript that is subject to nonsense-mediated mRNA decay. The evidence for this gene-disease relationship is limited; therefore, the clinical significance of this alteration is unclear.

Labcorp Genetics (formerly Invitae), Labcorp
Classification: Uncertain significance. Last evaluated: 2023-05-10. Review status: criteria provided, single submitter. Criteria: Invitae Variant Classification Sherloc (09022015). Collection method: clinical testing. Allele origin: germline.
Comment: In summary, the available evidence is currently insufficient to determine the role of this variant in disease. Therefore, it has been classified as a Variant of Uncertain Significance. Algorithms developed to predict the effect of sequence changes on RNA splicing suggest that this variant may disrupt the consensus splice site. ClinVar contains an entry for this variant (Variation ID: 1750562). This variant has not been reported in the literature in individuals affected with GALNT12-related conditions. This variant is not present in population databases (gnomAD no frequency). This sequence change affects a donor splice site in intron 6 of the GALNT12 gene. It is expected to disrupt RNA splicing. Variants that disrupt the donor or acceptor splice site typically lead to a loss of protein function (PMID: 16199547), however the current clinical and genetic evidence is not sufficient to establish whether loss-of-function variants in GALNT12 cause disease.

Literature cited by the submitters: PubMed 16199547 (cited by Labcorp Genetics (formerly Invitae), Labcorp).

NM_024642.5(GALNT12):c.1212+1G>T

Gene: GALNT12 (polypeptide N-acetylgalactosaminyltransferase 12; plus strand). Cytogenetic location: 9q22.33.
Variant type: single nucleotide variant.
Coding change: c.1212+1G>T on transcript NM_024642.5 (MANE Select); the canonical splice donor site of the intron after coding-DNA position 1212, G replaced by T.
Molecular consequence: splice donor variant.
Genome position (GRCh38, 1-based): chr9:98,837,149, G>T. VCF-style: chr9-98837149-G-T. GRCh37 (hg19) VCF-style: chr9-101599431-G-T.
Identifiers: ClinVar variation 1750562 (VCV001750562.5), dbSNP rs1836175199, ClinGen allele CA374220121.